The following is an entry in ClinVar:

ClinVar aggregate classification (germline): Uncertain significance (1 of 4 stars; one submission).

Conditions:
Neurofibromatosis, type 1 (NF1). Also called: Neurofibromatosis, type I; VON RECKLINGHAUSEN DISEASE; Peripheral type neurofibromatosis; NEUROFIBROMATOSIS, TYPE I, SOMATIC. Identifiers: Orphanet 636, MedGen C0027831, MONDO:0018975, OMIM 162200. Disease mechanism: loss of function.

Submission:

Labcorp Genetics (formerly Invitae), Labcorp
Classification: Uncertain significance for Neurofibromatosis, type 1. Last evaluated: 2019-03-13. Review status: criteria provided, single submitter. Criteria: Invitae Variant Classification Sherloc (09022015). Collection method: clinical testing. Allele origin: germline.
Comment: In summary, the available evidence is currently insufficient to determine the role of this variant in disease. Therefore, it has been classified as a Variant of Uncertain Significance. Experimental studies and prediction algorithms are not available for this variant, and the functional significance of the affected amino acid(s) is currently unknown. This variant has not been reported in the literature in individuals with NF1-related conditions. This variant is not present in population databases (ExAC no frequency). This variant, c.5964_5966del, results in the deletion of 1 amino acid(s) of the NF1 protein (p.Val1989del), but otherwise preserves the integrity of the reading frame.

NM_001042492.3(NF1):c.6024TGT[1] (p.Val2010del)

Gene: NF1 (neurofibromin 1; plus strand). Cytogenetic location: 17q11.2.
Variant type: Microsatellite.
Coding change: c.6024TGT[1] on transcript NM_001042492.3 (MANE Select); one copy of the 3-base unit TGT starting at c.6024; the reference has two copies in a row; one copy, 3 bases deleted.
Protein change: p.Val2010del; deletes valine 2010.
Molecular consequence: inframe deletion. On other transcripts: inframe indel (1).
Genome position (GRCh38, 1-based): chr17:31,336,353-31,336,355, TGT deleted; deleting any 3 consecutive bases within chr17:31,336,350-31,336,355 gives the same sequence; the position shown is the placement nearest the transcript's 3' end. VCF-style (leftmost placement, unchanged base first): chr17-31336349-ATGT-A. GRCh37 (hg19) VCF-style: chr17-29663367-ATGT-A.
Other names: c.5964_5966del (NM_000267.3); c.5961_5963TGT[1], p.Val1989del (NM_000267.4); short protein forms V2010del, V1989del.
Identifiers: ClinVar variation 857061 (VCV000857061.6), dbSNP rs2069668833, ClinGen allele CA916080661.
Genomic context (GRCh38, chr17:31,336,349, plus strand): 5'-TTGGTAGAGTGATTAAAAACATGTTATTTTCCTTCTTCAACTAGATTACAGATCTGCTTG[ATGT>A]TGTACTAGACAGTTTCATCAAAACCAGTGCAACAGGTGGCTTGGGATCAATAAAAGCTGA-3'